The following is an entry in ClinVar:

ClinVar aggregate classification (germline): Likely benign (1 of 4 stars; one submission).

Allele frequency attached by ClinVar (database versions not stated): TOPMed 0.00637; gnomAD 0.00747; ESP Exome Variant Server 0.00761; 1000 Genomes Project 30x 0.01062; 1000 Genomes Project 0.01098; gnomAD exomes 0.01099; ExAC 0.01280.
gnomAD v4.1: 13,462 of 1,268,230 alleles (1.1%); highest among the groups gnomAD compares: South Asian, 4.3%; 214 homozygotes.

Submission:

GeneDx
Classification: Likely benign. Last evaluated: 2019-12-19. Review status: criteria provided, single submitter. Criteria: GeneDx Variant Classification Process June 2021. Collection method: clinical testing. Allele origin: germline. Affected: yes.
Comment: See Variant Classification Assertion Criteria.

NM_001038.6(SCNN1A):c.1360+47C>T

Gene: SCNN1A (sodium channel epithelial 1 subunit alpha; minus strand). Cytogenetic location: 12p13.31.
Variant type: single nucleotide variant.
Coding change: c.1360+47C>T on transcript NM_001038.6 (MANE Select); 47 bases into the intron after coding-DNA position 1360, C replaced by T.
Molecular consequence: intron variant.
Genome position (GRCh38, 1-based): chr12:6,354,391, G>A on the plus strand (C>T on the coding strand, the complement: SCNN1A is on the minus strand). VCF-style: chr12-6354391-G-A. GRCh37 (hg19) VCF-style: chr12-6463557-G-A.
Other names: c.1429+47C>T (NM_001159575.2); c.1537+47C>T (NM_001159576.2).
Identifiers: ClinVar variation 1707157 (VCV001707157.2), dbSNP rs72657573, ClinGen allele CA6405897.